The following is an entry in ClinVar:

ClinVar aggregate classification (germline): Likely benign (1 of 4 stars; one submission).

Submission:

CeGaT Center for Human Genetics Tuebingen
Classification: Likely benign. Last evaluated: 2024-09-01. Review status: criteria provided, single submitter. Criteria: CeGaT Center For Human Genetics Tuebingen Variant Classification Criteria Version 2. Collection method: clinical testing. Allele origin: germline. Affected: yes. Observed: 1 variant allele.
Comment: RELN: PM2:Supporting, BP4, BP7

NM_005045.4(RELN):c.5577A>G (p.Thr1859=)

Gene: RELN (reelin; minus strand). Cytogenetic location: 7q22.1.
Variant type: single nucleotide variant.
Coding change: c.5577A>G on transcript NM_005045.4 (MANE Select); coding-DNA position 5577, A replaced by G.
Protein change: p.Thr1859=; no amino-acid change (threonine 1859 retained).
Molecular consequence: synonymous variant.
Genome position (GRCh38, 1-based): chr7:103,558,002, T>C on the plus strand (A>G on the coding strand, the complement: RELN is on the minus strand). VCF-style: chr7-103558002-T-C. GRCh37 (hg19) VCF-style: chr7-103198449-T-C.
Other names: c.5577A>G, p.Thr1859= (NM_173054.3).
Identifiers: ClinVar variation 3389642 (VCV003389642.14).
Genomic context (GRCh38, chr7:103,558,002, plus strand): 5'-GAAAATAATAAATTCATACTTACTTTTTGCTATAAATCTAAGTGAAAACTGGACATACAT[T>C]GTATTTGTACAATCTAGATCTCTTGAAATAAGCATCCTTAGTCCTTCCTGAAAATAAAAA-3'
Protein context (NP_005036.2, residues 1849-1869): LISRDLDCTN[Thr1859=]MYVQFSLRFI